The following is an entry in ClinVar:

ClinVar aggregate classification (germline): Uncertain significance (1 of 4 stars; one submission).

Submission:

Labcorp Genetics (formerly Invitae), Labcorp
Classification: Uncertain significance. Last evaluated: 2018-11-07. Review status: criteria provided, single submitter. Criteria: Invitae Variant Classification Sherloc (09022015). Collection method: clinical testing. Allele origin: germline.
Comment: Algorithms developed to predict the effect of missense changes on protein structure and function do not agree on the potential impact of this missense change (SIFT: "Deleterious"; PolyPhen-2: "Benign"; Align-GVGD: "Class C55"). This sequence change replaces glutamic acid with lysine at codon 288 of the SCN3A protein (p.Glu288Lys). The glutamic acid residue is highly conserved and there is a small physicochemical difference between glutamic acid and lysine. This variant is not present in population databases (ExAC no frequency). This variant has not been reported in the literature in individuals with SCN3A-related disease. In summary, the available evidence is currently insufficient to determine the role of this variant in disease. Therefore, it has been classified as a Variant of Uncertain Significance.

NM_006922.4(SCN3A):c.862G>A (p.Glu288Lys)

Gene: SCN3A (sodium voltage-gated channel alpha subunit 3; minus strand). Cytogenetic location: 2q24.3.
Variant type: single nucleotide variant.
Coding change: c.862G>A on transcript NM_006922.4 (MANE Select); coding-DNA position 862, G replaced by A.
Protein change: p.Glu288Lys; replaces glutamic acid 288 with lysine.
Molecular consequence: missense variant.
Genome position (GRCh38, 1-based): chr2:165,162,661, C>T on the plus strand (G>A on the coding strand, the complement: SCN3A is on the minus strand). VCF-style: chr2-165162661-C-T. GRCh37 (hg19) VCF-style: chr2-166019171-C-T.
Other names: c.862G>A, p.Glu288Lys (NM_001081676.2, NM_001081677.2); short protein forms E288K.
Identifiers: ClinVar variation 660040 (VCV000660040.8), dbSNP rs1553536865, ClinGen allele CA349239081.